The following is an entry in ClinVar:

NM_001134363.3(RBM20):c.3099_3100delinsAT (p.Ser1034Cys)

Gene: RBM20 (RNA binding motif protein 20; plus strand). Cytogenetic location: 10q25.2.
Variant type: Indel.
Coding change: c.3099_3100delinsAT on transcript NM_001134363.3 (MANE Select); coding-DNA positions 3099 to 3100, GA replaced by AT.
Protein change: p.Ser1034Cys; replaces serine 1034 with cysteine.
Molecular consequence: missense variant.
Genome position (GRCh38, 1-based): chr10:110,821,718-110,821,719, GA replaced by AT. VCF-style: chr10-110821718-GA-AT. GRCh37 (hg19) VCF-style: chr10-112581476-GA-AT.
Other names: short protein forms S1034C.
Identifiers: ClinVar variation 3313231 (VCV003313231.1).
Genomic context (GRCh38, chr10:110,821,718, plus strand): 5'-TGAGACAGGCCTCTCCCTGGAGGATTCAGATTGCTACGAGAAGGAGGCAAAGGGAGTGGA[GA>AT]GCTCAGATGTTCATCCAGCCCCTACAGTCCAGCAAATGTCTTCCCCTAAGCCAGCAGAGG-3'
Protein context (NP_001127835.2, residues 1024-1044): CYEKEAKGVE[Ser1034Cys]SDVHPAPTVQ

ClinVar aggregate classification (germline): Uncertain significance (1 of 4 stars; one submission).

Conditions:
Cardiovascular phenotype. Identifiers: MedGen CN230736.

Submission:

Ambry Genetics
Classification: Uncertain significance for Cardiovascular phenotype. Last evaluated: 2024-05-25. Review status: criteria provided, single submitter. Criteria: Ambry Variant Classification Scheme 2023. Collection method: clinical testing. Allele origin: germline.
Comment: The c.3099_3100delGAinsAT variant, located in coding exon 11 of the RBM20 gene, results from an in-frame deletion of GA and insertion of AT at nucleotide positions 3099 to 3100. This results in the substitution of the serine residue for a cysteine residue at codon 1034, an amino acid with dissimilar properties. This amino acid position is not well conserved in available vertebrate species. In addition, this alteration is predicted to be tolerated by in silico analysis. Based on the available evidence, the clinical significance of this variant remains unclear.